The following is an entry in ClinVar:

ClinVar aggregate classification (germline): Conflicting classifications of pathogenicity. Review status: criteria provided, conflicting classifications (1 of 4 stars). 4 submissions from 4 submitters: Uncertain significance (1); Likely benign (3). Last evaluated 2025-09-23.

Conditions:
Bethlem myopathy 1A. Also called: Bethlem myopathy 1; Bethlem Muscular Dystrophy; MYOPATHY, BENIGN CONGENITAL, WITH CONTRACTURES. Identifiers: Orphanet 610, MedGen CN029274, MONDO:0024530, OMIM 158810.

Allele frequency attached by ClinVar (database versions not stated): TOPMed 0.00002; gnomAD 0.00003.
gnomAD v4.1: 19 of 1,614,090 alleles (0.0012%); highest among the groups gnomAD compares: East Asian, 0.0067%; no homozygotes.

Submissions (4):

Labcorp Genetics (formerly Invitae), Labcorp
Classification: Likely benign for Bethlem myopathy 1A. Last evaluated: 2025-09-23. Review status: criteria provided, single submitter. Criteria: Invitae Variant Classification Sherloc (09022015). Collection method: clinical testing. Allele origin: germline.

CeGaT Center for Human Genetics Tuebingen
Classification: Likely benign. Last evaluated: 2022-06-01. Review status: criteria provided, single submitter. Criteria: CeGaT Center For Human Genetics Tuebingen Variant Classification Criteria Version 2. Collection method: clinical testing. Allele origin: germline. Affected: yes. Observed: 1 variant allele.
Comment: COL6A3: BP4, BP7

GeneDx
Classification: Likely benign. Last evaluated: 2016-12-19. Review status: criteria provided, single submitter. Criteria: GeneDx Variant Classification (06012015). Collection method: clinical testing. Allele origin: germline. Affected: yes.
Comment: This variant is considered likely benign or benign based on one or more of the following criteria: it is a conservative change, it occurs at a poorly conserved position in the protein, it is predicted to be benign by multiple in silico algorithms, and/or has population frequency not consistent with disease.

Eurofins Ntd Llc (ga)
Classification: Uncertain significance. Last evaluated: 2016-08-29. Review status: criteria provided, single submitter. Criteria: EGL Classification Definitions 2015. Collection method: clinical testing. Allele origin: germline. Observed: 1 variant allele, 1 heterozygote.

NM_004369.4(COL6A3):c.1785C>T (p.Ile595=)

Gene: COL6A3 (collagen type VI alpha 3 chain; minus strand). Cytogenetic location: 2q37.3.
Variant type: single nucleotide variant.
Coding change: c.1785C>T on transcript NM_004369.4 (MANE Select); coding-DNA position 1785, C replaced by T.
Protein change: p.Ile595=; no amino-acid change (isoleucine 595 retained).
Molecular consequence: synonymous variant.
Genome position (GRCh38, 1-based): chr2:237,381,027, G>A on the plus strand (C>T on the coding strand, the complement: COL6A3 is on the minus strand). VCF-style: chr2-237381027-G-A. GRCh37 (hg19) VCF-style: chr2-238289670-G-A.
Other names: c.564C>T, p.Ile188= (NM_057164.5, NM_057166.5); c.1167C>T, p.Ile389= (NM_057165.5, NM_057167.4).
Identifiers: ClinVar variation 289775 (VCV000289775.37), dbSNP rs114278376, ClinGen allele CA2189559.